The following is an entry in ClinVar:

NC_000002.11:g.(?_210777264)_(210777411_?)del

Gene: UNC80 (unc-80 homolog, NALCN channel complex subunit; plus strand). Cytogenetic location: 2q34.
Variant type: Deletion.
Identifiers: ClinVar variation 1443986 (VCV001443986.7).

ClinVar aggregate classification (germline): Uncertain significance (1 of 4 stars; one submission).

Submission:

Labcorp Genetics (formerly Invitae), Labcorp
Classification: Uncertain significance. Last evaluated: 2022-02-03. Review status: criteria provided, single submitter. Criteria: Invitae Variant Classification Sherloc (09022015). Collection method: clinical testing. Allele origin: germline.
Comment: In summary, the available evidence is currently insufficient to determine the role of this variant in disease. Therefore, it has been classified as a Variant of Uncertain Significance. Experimental studies and prediction algorithms are not available or were not evaluated, and the functional significance of this variant is currently unknown. This variant has not been reported in the literature in individuals affected with UNC80-related conditions. This variant is a gross deletion of the genomic region encompassing exon(s) 29 of the UNC80 gene. This variant would be expected to be in-frame, preserving the integrity of the reading frame.